The following is an entry in ClinVar:

NM_014846.4(WASHC5):c.746C>G (p.Thr249Arg)

Gene: WASHC5 (WASH complex subunit 5; minus strand). Cytogenetic location: 8q24.13.
Variant type: single nucleotide variant.
Coding change: c.746C>G on transcript NM_014846.4 (MANE Select); coding-DNA position 746, C replaced by G.
Protein change: p.Thr249Arg; replaces threonine 249 with arginine.
Molecular consequence: missense variant.
Genome position (GRCh38, 1-based): chr8:125,076,466, G>C on the plus strand (C>G on the coding strand, the complement: WASHC5 is on the minus strand). VCF-style: chr8-125076466-G-C. GRCh37 (hg19) VCF-style: chr8-126088708-G-C.
Other names: c.302C>G, p.Thr101Arg (NM_001330609.2); short protein forms T101R, T249R.
Identifiers: ClinVar variation 3758317 (VCV003758317.2).

ClinVar aggregate classification (germline): Uncertain significance (1 of 4 stars; one submission).

Conditions:
Ritscher-Schinzel syndrome. Also called: CRANIOCEREBELLOCARDIAC DYSPLASIA. Identifiers: Orphanet 7, MedGen C0796137, MONDO:0019078.
Hereditary spastic paraplegia 8 (SPG8). Also called: SPASTIC PARAPLEGIA 8, AUTOSOMAL DOMINANT. Identifiers: Orphanet 100989, MedGen C1863704, MONDO:0011339, OMIM 603563.

gnomAD v4.1: 6 of 1,613,932 alleles (0.00037%); highest among the groups gnomAD compares: African/African-American, 0.004%; no homozygotes.

Submission:

Labcorp Genetics (formerly Invitae), Labcorp
Classification: Uncertain significance for Ritscher-Schinzel syndrome; Hereditary spastic paraplegia 8. Last evaluated: 2024-08-31. Review status: criteria provided, single submitter. Criteria: Invitae Variant Classification Sherloc (09022015). Collection method: clinical testing. Allele origin: germline.
Comment: This sequence change replaces threonine, which is neutral and polar, with arginine, which is basic and polar, at codon 249 of the WASHC5 protein (p.Thr249Arg). This variant is not present in population databases (gnomAD no frequency). This variant has not been reported in the literature in individuals affected with WASHC5-related conditions. Invitae Evidence Modeling of protein sequence and biophysical properties (such as structural, functional, and spatial information, amino acid conservation, physicochemical variation, residue mobility, and thermodynamic stability) has been performed for this missense variant. However, the output from this modeling did not meet the statistical confidence thresholds required to predict the impact of this variant on WASHC5 protein function. In summary, the available evidence is currently insufficient to determine the role of this variant in disease. Therefore, it has been classified as a Variant of Uncertain Significance.